The following is an entry in ClinVar:

ClinVar aggregate classification (germline): Uncertain significance (1 of 4 stars; one submission).

Conditions:
Inborn genetic diseases. Identifiers: MedGen C0950123, MeSH D030342.

Submission:

Ambry Genetics
Classification: Uncertain significance for Inborn genetic diseases. Last evaluated: 2018-06-13. Review status: criteria provided, single submitter. Criteria: Ambry Variant Classification Scheme 2023. Collection method: clinical testing. Allele origin: germline.
Comment: The c.1479delC variant, located in coding exon 11 of the SIK1 gene, results from a deletion of one nucleotide at nucleotide position 1479, causing a translational frameshift with a predicted alternate stop codon (p.S494Pfs*16). This alteration is expected to result in loss of function by premature protein truncation or nonsense-mediated mRNA decay. However, loss of function of SIK1 has not been clearly established as a mechanism of disease. Based on data from gnomAD, this deletion has an overall frequency of approximately 0.0007% (2/268094). Since supporting evidence is limited at this time, the clinical significance of this alteration remains unclear.

NM_173354.5(SIK1):c.1479del (p.Ser494fs)

Gene: SIK1 (salt inducible kinase 1; minus strand). Cytogenetic location: 21q22.3.
Variant type: Deletion.
Coding change: c.1479del on transcript NM_173354.5 (MANE Select); coding-DNA position 1479, one base deleted (C; older notation c.1479delC).
Protein change: p.Ser494fs; shifts the reading frame from serine 494.
Molecular consequence: frameshift variant.
Genome position (GRCh38, 1-based): chr21:43,418,525, G deleted on the plus strand (C on the coding strand, the reverse complement: SIK1 is on the minus strand); the first of 5 consecutive G bases (chr21:43,418,525-43,418,529); deleting any one gives the same sequence. VCF-style (leftmost placement, unchanged base first): chr21-43418524-AG-A. GRCh37 (hg19) VCF-style: chr21-44838404-AG-A.
Other names: short protein forms S494fs.
Identifiers: ClinVar variation 1773508 (VCV001773508.2), dbSNP rs1289635091, ClinGen allele CA749585997.